The following is an entry in ClinVar:

ClinVar aggregate classification (germline): Likely pathogenic (1 of 4 stars; one submission).

Conditions:
Short stature-onychodysplasia-facial dysmorphism-hypotrichosis syndrome. Also called: SOFT SYNDROME; Short stature, onychodysplasia, facial dysmorphism, and hypotrichosis. Identifiers: Orphanet 314394, MedGen C3542022, MONDO:0013894, OMIM 614813.

gnomAD v4.1: 1 of 1,611,552 alleles (0.000062%); no homozygotes.

Submission:

Neuberg Centre For Genomic Medicine, NCGM
Classification: Likely pathogenic for Short stature-onychodysplasia-facial dysmorphism-hypotrichosis syndrome. Last evaluated: 2023-05-20. Review status: criteria provided, single submitter. Criteria: ACMG Guidelines, 2015. Collection method: clinical testing. Allele origin: germline. Inheritance: Autosomal recessive inheritance. Affected: yes.
Comment: The observed splice acceptor variant c.104-2A>C in POC1A gene has not been reported previously as a pathogenic variant nor as a benign variant, to our knowledge. The c.104-2A>C variant is absent in gnomAD Exomes.The variant affects the AG acceptor splice site upstream to exon 3.This variant is predicted to cause loss of normal protein function through protein truncation. Loss of function variants have been previously reported to be disease causing (Barraza-García J, et al., 2016). For these reasons, this variant has been classified as Likely Pathogenic.

NM_015426.5(POC1A):c.104-2A>C

Gene: POC1A (POC1 centriolar protein A; minus strand). Cytogenetic location: 3p21.2.
Variant type: single nucleotide variant.
Coding change: c.104-2A>C on transcript NM_015426.5 (MANE Select); the canonical splice acceptor site of the intron before coding-DNA position 104, A replaced by C.
Molecular consequence: splice acceptor variant.
Genome position (GRCh38, 1-based): chr3:52,149,989, T>G on the plus strand (A>C on the coding strand, the complement: POC1A is on the minus strand). VCF-style: chr3-52149989-T-G. GRCh37 (hg19) VCF-style: chr3-52184005-T-G.
Other names: c.104-2A>C (NM_001161580.2); c.-11-2A>C (NM_001161581.2).
Identifiers: ClinVar variation 3341413 (VCV003341413.1).